The following is an entry in ClinVar:

NM_013432.5(TONSL):c.2640C>G (p.Arg880=)

Genes: TONSL (tonsoku like, DNA repair protein; minus strand), TONSL-AS1 (TONSL antisense RNA 1; plus strand). Cytogenetic location: 8q24.3.
Variant type: single nucleotide variant.
Coding change: c.2640C>G on transcript NM_013432.5 (MANE Select); coding-DNA position 2640, C replaced by G.
Protein change: p.Arg880=; no amino-acid change (arginine 880 retained).
Molecular consequence: synonymous variant.
Genome position (GRCh38, 1-based): chr8:144,435,793, G>C on the plus strand (C>G on the coding strand, the complement: TONSL is on the minus strand). VCF-style: chr8-144435793-G-C. GRCh37 (hg19) VCF-style: chr8-145661176-G-C.
Identifiers: ClinVar variation 5039115 (VCV005039115.1).

ClinVar aggregate classification (germline): Likely benign (1 of 4 stars; one submission).

gnomAD v4.1: 1 of 1,612,842 alleles (0.000062%); no homozygotes.

Submission:

CeGaT Center for Human Genetics Tuebingen
Classification: Likely benign. Last evaluated: 2026-07-01. Review status: criteria provided, single submitter. Criteria: CeGaT Center For Human Genetics Tuebingen Variant Classification Criteria Version 2. Collection method: clinical testing. Allele origin: germline. Affected: yes. Observed: 1 variant allele.
Comment: TONSL: BP4, BP7